The following is an entry in ClinVar:

ClinVar aggregate classification (germline): Uncertain significance (1 of 4 stars; one submission).

Conditions:
CASQ1-related disorder. Also called: CASQ1-related condition.

Submission:

PreventionGenetics, part of Exact Sciences
Classification: Uncertain significance for CASQ1-related condition. Last evaluated: 2025-03-20. Review status: criteria provided, single submitter. Criteria: ACMG Guidelines, 2015. Collection method: clinical testing. Allele origin: germline.
Comment: The CASQ1 c.547A>T variant is predicted to result in the amino acid substitution p.Ile183Phe. To our knowledge, this variant has not been reported in the literature or in a large population database (gnomAD), indicating this variant is rare. At this time, the clinical significance of this variant is uncertain due to the absence of conclusive functional and genetic evidence.

NM_001231.5(CASQ1):c.547A>T (p.Ile183Phe)

Gene: CASQ1 (calsequestrin 1; plus strand). Cytogenetic location: 1q23.2.
Variant type: single nucleotide variant.
Coding change: c.547A>T on transcript NM_001231.5 (MANE Select); coding-DNA position 547, A replaced by T.
Protein change: p.Ile183Phe; replaces isoleucine 183 with phenylalanine.
Molecular consequence: missense variant.
Genome position (GRCh38, 1-based): chr1:160,195,093, A>T. VCF-style: chr1-160195093-A-T. GRCh37 (hg19) VCF-style: chr1-160164883-A-T.
Other names: short protein forms I183F.
Identifiers: ClinVar variation 5001017 (VCV005001017.1).